The following is an entry in ClinVar:

NM_002098.6(GUCA1B):c.461A>G (p.Asp154Gly)

Gene: GUCA1B (guanylate cyclase activator 1B; minus strand). Cytogenetic location: 6p21.1.
Variant type: single nucleotide variant.
Coding change: c.461A>G on transcript NM_002098.6 (MANE Select); coding-DNA position 461, A replaced by G.
Protein change: p.Asp154Gly; replaces aspartic acid 154 with glycine.
Molecular consequence: missense variant.
Genome position (GRCh38, 1-based): chr6:42,185,694, T>C on the plus strand (A>G on the coding strand, the complement: GUCA1B is on the minus strand). VCF-style: chr6-42185694-T-C. GRCh37 (hg19) VCF-style: chr6-42153432-T-C.
Other names: short protein forms D154G.
Identifiers: ClinVar variation 4710966 (VCV004710966.1).
Genomic context (GRCh38, chr6:42,185,694, plus strand): 5'-GATGATGCAGAGTGGACAGCACTCTCCCCATCTCTGCCCCTCTTACCATCTCCATTCTCA[T>C]CCACCAGGAGGAAGATCCTGTCCACGACCTCCTCGGGTGTGAGCAGCTGGCCTTGCTCAG-3'
Protein context (NP_002089.4, residues 144-164): EVVDRIFLLV[Asp154Gly]ENGDGQLSLN

ClinVar aggregate classification (germline): Uncertain significance (1 of 4 stars; one submission).

Submission:

Labcorp Genetics (formerly Invitae), Labcorp
Classification: Uncertain significance. Last evaluated: 2025-10-26. Review status: criteria provided, single submitter. Criteria: Invitae Variant Classification Sherloc (09022015). Collection method: clinical testing. Allele origin: germline.
Comment: This sequence change replaces aspartic acid, which is acidic and polar, with glycine, which is neutral and non-polar, at codon 154 of the GUCA1B protein (p.Asp154Gly). This variant is not present in population databases (gnomAD no frequency). This variant has not been reported in the literature in individuals affected with GUCA1B-related conditions. An algorithm developed to predict the effect of missense changes on protein structure and function (PolyPhen-2) suggests that this variant is likely to be disruptive. Algorithms developed to predict the effect of sequence changes on RNA splicing suggest that this variant may create or strengthen a splice site. In summary, the available evidence is currently insufficient to determine the role of this variant in disease. Therefore, it has been classified as a Variant of Uncertain Significance.